The following is an entry in ClinVar:

NM_006118.4(HAX1):c.35G>A (p.Gly12Asp)

Gene: HAX1 (HCLS1 associated protein X-1; plus strand). Cytogenetic location: 1q21.3.
Variant type: single nucleotide variant.
Coding change: c.35G>A on transcript NM_006118.4 (MANE Select); coding-DNA position 35, G replaced by A.
Protein change: p.Gly12Asp; replaces glycine 12 with aspartic acid.
Molecular consequence: missense variant.
Genome position (GRCh38, 1-based): chr1:154,272,758, G>A. VCF-style: chr1-154272758-G-A. GRCh37 (hg19) VCF-style: chr1-154245234-G-A.
Other names: c.35G>A, p.Gly12Asp (NM_001018837.2); short protein forms G12D.
Identifiers: ClinVar variation 4269029 (VCV004269029.1).

ClinVar aggregate classification (germline): Uncertain significance (1 of 4 stars; one submission).

Conditions:
Inborn genetic diseases. Identifiers: MedGen C0950123, MeSH D030342.

Submission:

Ambry Genetics
Classification: Uncertain significance for Inborn genetic diseases. Last evaluated: 2025-07-14. Review status: criteria provided, single submitter. Criteria: Ambry Variant Classification Scheme 2023. Collection method: clinical testing. Allele origin: germline.
Comment: The p.G12D variant (also known as c.35G>A), located in coding exon 1 of the HAX1 gene, results from a G to A substitution at nucleotide position 35. The glycine at codon 12 is replaced by aspartic acid, an amino acid with similar properties. This amino acid position is conserved. In addition, the in silico prediction for this alteration is inconclusive. Based on the available evidence, the clinical significance of this variant remains unclear.